The following is an entry in ClinVar:

NM_000094.4(COL7A1):c.3551-3T>G

Gene: COL7A1 (collagen type VII alpha 1 chain; minus strand). Cytogenetic location: 3p21.31.
Variant type: single nucleotide variant.
Coding change: c.3551-3T>G on transcript NM_000094.4 (MANE Select); 3 bases into the intron before coding-DNA position 3551, T replaced by G.
Molecular consequence: intron variant.
Genome position (GRCh38, 1-based): chr3:48,586,249, A>C on the plus strand (T>G on the coding strand, the complement: COL7A1 is on the minus strand). VCF-style: chr3-48586249-A-C. GRCh37 (hg19) VCF-style: chr3-48623682-A-C.
Identifiers: ClinVar variation 488685 (VCV000488685.11), dbSNP rs773263825, ClinGen allele CA658683340.
Genomic context (GRCh38, chr3:48,586,249, plus strand): 5'-AAGCGACGCAGCTGCTCTGGGTCCGCTCCAGCCATTCCCAACATCACCACATTAAGCCCT[A>C]AGGTGGGGTCCAGTGGCTGCATGATAGCCTTTTCAGGGCCACCCCTATTCCCAGACCCCT-3'

ClinVar aggregate classification (germline): Pathogenic/Likely pathogenic. Review status: criteria provided, multiple submitters, no conflicts (2 of 4 stars). 6 submissions from 6 submitters: Pathogenic (4); Likely pathogenic (2). Last evaluated 2026-06-20.

Conditions:
COL7A1-related disorder. Also called: COL7A1- related disorders; COL7A1-related condition.
Epidermolysis bullosa dystrophica. Also called: Dystrophic epidermolysis bullosa, Hallopeau-Siemens type (formerly); Dystrophic epidermolysis bullosa. Identifiers: Orphanet 303, MedGen C0079294, MONDO:0006543.
Recessive dystrophic epidermolysis bullosa (RDEB). Also called: epidermolysis bullosa dystrophica, autosomal recessive; Recessive DEB (RDEB); DYSTROPHIC EPIDERMOLYSIS BULLOSA, AUTOSOMAL RECESSIVE; EPIDERMOLYSIS BULLOSA DYSTROPHICA, HALLOPEAU-SIEMENS TYPE; EPIDERMOLYSIS BULLOSA DYSTROPHICA, GENERALIZED SEVERE, AUTOSOMAL RECESSIVE; severe generalized recessive dystrophic epidermolysis bullosa. Identifiers: Orphanet 79408, Orphanet 79409, MedGen C0079474, MONDO:0009179, OMIM 226600.

Allele frequency attached by ClinVar (database versions not stated): TOPMed below 0.00001.

Submissions (6):

Myriad Genetics, Inc.
Classification: Likely pathogenic for Recessive dystrophic epidermolysis bullosa. Last evaluated: 2026-06-20. Review status: criteria provided, single submitter. Criteria: Myriad Autosomal Dominant, Autosomal Recessive and X-Linked Classification Criteria (2023). Collection method: clinical testing. Allele origin: unknown.
Comment: NM_000094.3(COL7A1):c.3551-3T>G is an intronic variant classified as likely pathogenic in the context of dystrophic epidermolysis bullosa. c.3551-3T>G has been observed in cases with relevant disease (PMID: 16484981, 19665875, 19681861, 20598510). Relevant functional assessments of this variant are not available in the literature. c.3551-3T>G has not been observed in referenced population frequency databases. In summary, NM_000094.3(COL7A1):c.3551-3T>G is an intronic variant that has been observed more frequently in cases with the relevant disease than in healthy populations. Please note: this variant was assessed in the context of healthy population screening.

Labcorp Genetics (formerly Invitae), Labcorp
Classification: Pathogenic. Last evaluated: 2025-12-21. Review status: criteria provided, single submitter. Criteria: Invitae Variant Classification Sherloc (09022015). Collection method: clinical testing. Allele origin: germline.
Comment: This sequence change falls in intron 26 of the COL7A1 gene. It does not directly change the encoded amino acid sequence of the COL7A1 protein. It affects a nucleotide within the consensus splice site. This variant is not present in population databases (gnomAD no frequency). This variant has been observed in individual(s) with autosomal recessive epidermolysis bullosa dystrophica (PMID: 16484981, 19665875). ClinVar contains an entry for this variant (Variation ID: 488685). Variants that disrupt the consensus splice site are a relatively common cause of aberrant splicing (PMID: 17576681, 9536098). Algorithms developed to predict the effect of sequence changes on RNA splicing suggest that this variant may disrupt the consensus splice site. For these reasons, this variant has been classified as Pathogenic.

Natera, Inc.
Classification: Likely pathogenic for Dystrophic epidermolysis bullosa. Last evaluated: 2025-05-12. Review status: criteria provided, single submitter. Criteria: Natera Variant Classification Schema (03/2026). Collection method: clinical testing. Allele origin: germline.
Comment: The c.3551-3T>G variant in COL7A1 is an intronic variant located outside the canonical splice sites. This variant is rare in the general population with a frequency below the threshold expected for the associated phenotype(s). This variant has been observed in one or more individuals affected with the associated recessive disease, as either homozygous or compound heterozygous with a second variant (PMID: 16484981, 19665875, 38272206). Computational prediction algorithms indicate this variant is likely to affect gene or protein function. Given the available evidence, this variant is classified as Likely Pathogenic.

PreventionGenetics, part of Exact Sciences
Classification: Pathogenic for COL7A1-related condition. Last evaluated: 2024-10-10. Review status: criteria provided, single submitter. Criteria: ACMG Guidelines, 2015. Collection method: clinical testing. Allele origin: germline.
Comment: The COL7A1 c.3551-3T>G variant is predicted to interfere with splicing. This variant was reported along with a second causative COL7A1 variant in individuals with autosomal recessive dystrophic epidermolysis bullosa (Kern et al. 2006. PubMed ID: 16484981; van den Akker et al. 2009. PubMed ID: 19665875; Lee et al. 2024. PubMed ID: 38272206). In an RNA study, the c.3551-3T>G variant resulted in aberrant splicing with introns 26 and 27 included in the final transcript (Lee et al. 2024. PubMed ID: 38272206). This variant has not been reported in a large population database (gnomAD), indicating this variant is rare. This variant is interpreted as pathogenic.

GeneDx
Classification: Pathogenic. Last evaluated: 2024-05-17. Review status: criteria provided, single submitter. Criteria: GeneDx Variant Classification Process June 2021. Collection method: clinical testing. Allele origin: germline. Affected: yes.
Comment: RNA studies demonstrate this variant results in abnormal splicing (PMID: 38272206); Not observed at significant frequency in large population cohorts (gnomAD); This variant is associated with the following publications: (PMID: 26707537, 16484981, 20598510, 19665875, 18558993, 38272206)

Blueprint Genetics
Classification: Pathogenic for COL7A1-related disorders. Last evaluated: 2021-12-21. Review status: criteria provided, single submitter. Criteria: ACMG Guidelines, 2015. Collection method: clinical testing. Allele origin: germline. Affected: yes. Observed: 1 variant allele.

Literature cited by the submitters: PubMed 16484981 (cited by 3 submitters); PubMed 19665875 (cited by 3 submitters); PubMed 19681861 (cited by Myriad Genetics, Inc.); PubMed 20598510 (cited by Myriad Genetics, Inc.); PubMed 17576681 (cited by Labcorp Genetics (formerly Invitae), Labcorp); PubMed 9536098 (cited by Labcorp Genetics (formerly Invitae), Labcorp); PubMed 38272206 (cited by Natera, Inc.).